The following is an entry in ClinVar:

ClinVar aggregate classification (germline): Pathogenic (1 of 4 stars; one submission).

Conditions:
Combined malonic and methylmalonic acidemia. Identifiers: Orphanet 289504, MedGen C3280314, MONDO:0013661, OMIM 614265.

Submission:

Labcorp Genetics (formerly Invitae), Labcorp
Classification: Pathogenic for Combined malonic and methylmalonic acidemia. Last evaluated: 2022-12-01. Review status: criteria provided, single submitter. Criteria: Invitae Variant Classification Sherloc (09022015). Collection method: clinical testing. Allele origin: germline.
Comment: This variant has not been reported in the literature in individuals affected with ACSF3-related conditions. This sequence change creates a premature translational stop signal (p.Arg318Leufs*10) in the ACSF3 gene. It is expected to result in an absent or disrupted protein product. Loss-of-function variants in ACSF3 are known to be pathogenic (PMID: 21841779, 26827111). This variant is not present in population databases (gnomAD no frequency). For these reasons, this variant has been classified as Pathogenic.

Literature cited by the submitters: PubMed 21841779; PubMed 26827111.

NM_001243279.3(ACSF3):c.953del (p.Arg318fs)

Gene: ACSF3 (acyl-CoA synthetase family member 3; plus strand). Cytogenetic location: 16q24.3.
Variant type: Deletion.
Coding change: c.953del on transcript NM_001243279.3 (MANE Select); coding-DNA position 953, one base deleted (G; older notation c.953delG).
Protein change: p.Arg318fs; shifts the reading frame from arginine 318.
Molecular consequence: frameshift variant. On other transcripts: non-coding transcript variant (3).
Genome position (GRCh38, 1-based): chr16:89,112,222, G deleted. VCF-style (leftmost placement, unchanged base first): chr16-89112221-CG-C. GRCh37 (hg19) VCF-style: chr16-89178629-CG-C.
Other names: c.953del, p.Arg318fs (NM_001127214.4, NM_174917.5); c.158del, p.Arg53fs (NM_001284316.2); short protein forms R318fs, R53fs.
Identifiers: ClinVar variation 2915901 (VCV002915901.3), dbSNP rs2543607986, ClinGen allele CA2739265528.